The following is an entry in ClinVar:

NM_001267550.2(TTN):c.10603G>A (p.Gly3535Arg)

Gene: TTN (titin; minus strand). Cytogenetic location: 2q31.2.
Variant type: single nucleotide variant.
Coding change: c.10603G>A on transcript NM_001267550.2 (MANE Select); coding-DNA position 10603, G replaced by A.
Protein change: p.Gly3535Arg; replaces glycine 3535 with arginine.
Molecular consequence: missense variant. On other transcripts: intron variant (5).
Genome position (GRCh38, 1-based): chr2:178,757,617, C>T on the plus strand (G>A on the coding strand, the complement: TTN is on the minus strand). VCF-style: chr2-178757617-C-T. GRCh37 (hg19) VCF-style: chr2-179622344-C-T.
Other names: c.10465G>A, p.Gly3489Arg (NM_133432.3); c.10165+1367G>A (NM_003319.4); c.10166-820G>A (NM_133437.4); c.10303+1367G>A (NM_133378.4, NM_001256850.1, NM_133379.5); short protein forms G3489R, G3535R.
Identifiers: ClinVar variation 1679942 (VCV001679942.3), dbSNP rs374978923, ClinGen allele CA2004078.

ClinVar aggregate classification (germline): Likely pathogenic (0 of 4 stars; one submission).

Conditions:
Tip-toe gait. Also called: Toe walking. Identifiers: MedGen C0427144, HP:0030051.

Allele frequency attached by ClinVar (database versions not stated): ExAC 0.00002; TOPMed 0.00001; ESP Exome Variant Server 0.00008; gnomAD exomes 0.00001.
gnomAD v4.1: 17 of 1,613,318 alleles (0.0011%); highest among the groups gnomAD compares: South Asian, 0.0088%; no homozygotes.

Submission:

Practice for Gait Abnormalities, David Pomarino, Competency Network Toe Walking C/o Practice Pomarino
Classification: Likely pathogenic for Tip-toe gait. Review status: no assertion criteria provided. Collection method: clinical testing. Allele origin: germline. Affected: yes.
Comment: Myopathy refers to diseases that affect skeletal Muscles. These diseases attack muscle fibers, making muscles weak. Inherited myopathies are often caused by inheriting an abnormal gene mutation from a parent that causes the disease. Symptoms of congenital myopathies usually start at birth or in early childhood, but may not appear until the teen years or even later in adulthood. Congenital myopathies are somewhat unique compared with other inherited myopathies, as weakness typically affects all muscles and is often not progressive. Symptoms are: Muscle weakness, most commonly of upper arms and shoulders and thighs, muscle cramps, stiffness and spasms, fatigue with exertion and lack of energy. Our patients all walk on tiptoe, so they show similar symptoms. When we genetically test them with our toe walking panel, we find that around 90 per cent of them have a genetic variant that explains their toe walking. These can be assigned, for example, to the area of myopathies (such as variants of the COL6A3 gene), the area of hereditary neuropathies (such as variants of the KMT2C gene) or the area of metabolic diseases (such as variants of the PYGM gene). In a smaller group of patients with almost identical symptoms, no abnormality is found in the genes of our panel, but spastic paraplegia can be detected. In another small group of our toe walkers, no abnormalities can be detected in the genes analysed in our toe walking panel, nor do they suffer from spastic paraplegia, as is also the case with healthy children. In contrast to these, however, they show a tiptoe gait. These patients suffer from infantile cerebral palsy, in which toe walking can also be observed.

Literature cited by the submitters: PubMed 37091313.